The following is an entry in ClinVar:

ClinVar aggregate classification (germline): Likely benign (1 of 4 stars; one submission).

Submission:

Mayo Clinic Laboratories, Mayo Clinic
Classification: Likely benign. Last evaluated: 2025-01-15. Review status: criteria provided, single submitter. Criteria: ACMG Guidelines, 2015. Collection method: clinical testing. Allele origin: germline. Observed: 1 variant allele.
Comment: BP4, BP7, PM2_supporting

Literature cited by the submitters: PubMed 26986123.

NM_000552.5(VWF):c.3380-4A>G

Gene: VWF (von Willebrand factor; minus strand). Cytogenetic location: 12p13.31.
Variant type: single nucleotide variant.
Coding change: c.3380-4A>G on transcript NM_000552.5 (MANE Select); 4 bases into the intron before coding-DNA position 3380, A replaced by G.
Molecular consequence: intron variant.
Genome position (GRCh38, 1-based): chr12:6,022,902, T>C on the plus strand (A>G on the coding strand, the complement: VWF is on the minus strand). VCF-style: chr12-6022902-T-C. GRCh37 (hg19) VCF-style: chr12-6132068-T-C.
Other names: p.?.
Identifiers: ClinVar variation 4683705 (VCV004683705.1).